The following is an entry in ClinVar:

NM_014159.7(SETD2):c.1135A>G (p.Ser379Gly)

Gene: SETD2 (SET domain containing 2, histone lysine methyltransferase; minus strand). Cytogenetic location: 3p21.31.
Variant type: single nucleotide variant.
Coding change: c.1135A>G on transcript NM_014159.7 (MANE Select); coding-DNA position 1135, A replaced by G.
Protein change: p.Ser379Gly; replaces serine 379 with glycine.
Molecular consequence: missense variant. On other transcripts: non-coding transcript variant (1).
Genome position (GRCh38, 1-based): chr3:47,123,501, T>C on the plus strand (A>G on the coding strand, the complement: SETD2 is on the minus strand). VCF-style: chr3-47123501-T-C. GRCh37 (hg19) VCF-style: chr3-47164991-T-C.
Other names: c.1003A>G, p.Ser335Gly (NM_001349370.3); short protein forms S335G, S379G.
Identifiers: ClinVar variation 1450243 (VCV001450243.8), dbSNP rs761258214, ClinGen allele CA73811800.

ClinVar aggregate classification (germline): Uncertain significance (1 of 4 stars; one submission).

Conditions:
Luscan-Lumish syndrome. Identifiers: Orphanet 597738, MedGen C4085873, MONDO:0014791, OMIM 616831.

Allele frequency attached by ClinVar (database versions not stated): gnomAD 0.00001; gnomAD exomes 0.00001; TOPMed 0.00003.
gnomAD v4.1: 15 of 1,551,036 alleles (0.00097%); highest among the groups gnomAD compares: Non-Finnish European, 0.0013%; no homozygotes.

Submission:

Labcorp Genetics (formerly Invitae), Labcorp
Classification: Uncertain significance for Luscan-Lumish syndrome. Last evaluated: 2020-11-11. Review status: criteria provided, single submitter. Criteria: Invitae Variant Classification Sherloc (09022015). Collection method: clinical testing. Allele origin: germline.
Comment: This variant is not present in population databases (ExAC no frequency). This sequence change replaces serine with glycine at codon 379 of the SETD2 protein (p.Ser379Gly). The serine residue is moderately conserved and there is a small physicochemical difference between serine and glycine. In summary, the available evidence is currently insufficient to determine the role of this variant in disease. Therefore, it has been classified as a Variant of Uncertain Significance. Algorithms developed to predict the effect of missense changes on protein structure and function are either unavailable or do not agree on the potential impact of this missense change (SIFT: "Tolerated"; PolyPhen-2: "Probably Damaging"; Align-GVGD: "Class C0"). This variant has not been reported in the literature in individuals with SETD2-related conditions.